The following is an entry in ClinVar:

NM_014283.5(SUCO):c.3143C>G (p.Pro1048Arg)

Gene: SUCO (SUN domain containing ossification factor; plus strand). Cytogenetic location: 1q24.3.
Variant type: single nucleotide variant.
Coding change: c.3143C>G on transcript NM_014283.5 (MANE Select); coding-DNA position 3143, C replaced by G.
Protein change: p.Pro1048Arg; replaces proline 1048 with arginine.
Molecular consequence: missense variant.
Genome position (GRCh38, 1-based): chr1:172,602,188, C>G. VCF-style: chr1-172602188-C-G. GRCh37 (hg19) VCF-style: chr1-172571328-C-G.
Other names: c.2030C>G, p.Pro677Arg (NM_001282750.2); c.1454C>G, p.Pro485Arg (NM_001282751.2); c.3596C>G, p.Pro1199Arg (NM_016227.4); c.3143C>G (NM_014283.3); short protein forms P485R, P1199R, P1048R, P677R.
Identifiers: ClinVar variation 2180100 (VCV002180100.5), dbSNP rs183693483, ClinGen allele CA1247241.

ClinVar aggregate classification (germline): Uncertain significance. Review status: criteria provided, multiple submitters, no conflicts (2 of 4 stars). 2 submissions from 2 submitters: Uncertain significance (2). Last evaluated 2025-08-28.

Allele frequency attached by ClinVar (database versions not stated): TOPMed 0.00003; gnomAD 0.00004; gnomAD exomes 0.00005; ExAC 0.00007; 1000 Genomes Project 30x 0.00031; 1000 Genomes Project 0.00040.
gnomAD v4.1: 76 of 1,612,594 alleles (0.0047%); highest among the groups gnomAD compares: Middle Eastern, 0.1%; no homozygotes.

Submissions (2):

Ambry Genetics
Classification: Uncertain significance. Last evaluated: 2025-08-28. Review status: criteria provided, single submitter. Criteria: Ambry Variant Classification Scheme 2023. Collection method: clinical testing. Allele origin: germline.

Labcorp Genetics (formerly Invitae), Labcorp
Classification: Uncertain significance. Last evaluated: 2025-06-18. Review status: criteria provided, single submitter. Criteria: Invitae Variant Classification Sherloc (09022015). Collection method: clinical testing. Allele origin: germline.
Comment: This sequence change replaces proline, which is neutral and non-polar, with arginine, which is basic and polar, at codon 1048 of the SUCO protein (p.Pro1048Arg). This variant is present in population databases (rs183693483, gnomAD 0.01%). This variant has not been reported in the literature in individuals affected with SUCO-related conditions. ClinVar contains an entry for this variant (Variation ID: 2180100). An algorithm developed to predict the effect of missense changes on protein structure and function (PolyPhen-2) suggests that this variant is likely to be tolerated. In summary, the available evidence is currently insufficient to determine the role of this variant in disease. Therefore, it has been classified as a Variant of Uncertain Significance.